The following is an entry in ClinVar:

ClinVar aggregate classification (germline): Uncertain significance (1 of 4 stars; one submission).

Conditions:
Glycogen storage disease IXd (GSD9D). Also called: Muscle Phosphorylase Kinase Deficiency; GSD IXd. Identifiers: Orphanet 715, MedGen C1845151, MONDO:0010362, OMIM 300559.

Allele frequency attached by ClinVar (database versions not stated): gnomAD exomes below 0.00001; gnomAD 0.00001; TOPMed 0.00004; ESP Exome Variant Server 0.00009.
gnomAD v4.1: 6 of 1,198,250 alleles (0.0005%); highest among the groups gnomAD compares: African/African-American, 0.0035%; no homozygotes.

Submission:

Labcorp Genetics (formerly Invitae), Labcorp
Classification: Uncertain significance for Glycogen storage disease IXd. Last evaluated: 2022-02-19. Review status: criteria provided, single submitter. Criteria: Invitae Variant Classification Sherloc (09022015). Collection method: clinical testing. Allele origin: germline.
Comment: Algorithms developed to predict the effect of sequence changes on RNA splicing suggest that this variant may create or strengthen a splice site. In summary, the available evidence is currently insufficient to determine the role of this variant in disease. Therefore, it has been classified as a Variant of Uncertain Significance. Algorithms developed to predict the effect of missense changes on protein structure and function are either unavailable or do not agree on the potential impact of this missense change (SIFT: "Tolerated"; PolyPhen-2: "Possibly Damaging"; Align-GVGD: "Class C0"). This variant has not been reported in the literature in individuals affected with PHKA1-related conditions. This variant is not present in population databases (gnomAD no frequency). This sequence change replaces tyrosine, which is neutral and polar, with cysteine, which is neutral and slightly polar, at codon 873 of the PHKA1 protein (p.Tyr873Cys).

NM_002637.4(PHKA1):c.2618A>G (p.Tyr873Cys)

Gene: PHKA1 (phosphorylase kinase regulatory subunit alpha 1; minus strand). Cytogenetic location: Xq13.1.
Variant type: single nucleotide variant.
Coding change: c.2618A>G on transcript NM_002637.4 (MANE Select); coding-DNA position 2618, A replaced by G.
Protein change: p.Tyr873Cys; replaces tyrosine 873 with cysteine.
Molecular consequence: missense variant.
Genome position (GRCh38, 1-based): chrX:72,605,608, T>C on the plus strand (A>G on the coding strand, the complement: PHKA1 is on the minus strand). VCF-style: chrX-72605608-T-C. GRCh37 (hg19) VCF-style: chrX-71825458-T-C.
Other names: c.2618A>G, p.Tyr873Cys (NM_001122670.2); c.2441A>G, p.Tyr814Cys (NM_001172436.2); short protein forms Y814C, Y873C.
Identifiers: ClinVar variation 2072132 (VCV002072132.4), dbSNP rs138561213, ClinGen allele CA331072470.
Genomic context (GRCh38, chrX:72,605,608, plus strand): 5'-AGGATTGAAATGCTCATATCCCCTTCACTGGCTTCATCTATCAGCTGAGTGAGCGCCTCA[T>C]AGGGCAGAGGTCTAAGGAAAAAGACAGCAAAGAAAGACAATATTCTACAACCACTTAATC-3'
Protein context (NP_002628.2, residues 863-883): REKTISAPLP[Tyr873Cys]EALTQLIDEA